The following is an entry in ClinVar:

NM_024675.4(PALB2):c.3364G>A (p.Asp1122Asn)

Gene: PALB2 (partner and localizer of BRCA2; minus strand). Cytogenetic location: 16p12.2.
Variant type: single nucleotide variant.
Coding change: c.3364G>A on transcript NM_024675.4 (MANE Select); coding-DNA position 3364, G replaced by A.
Protein change: p.Asp1122Asn; replaces aspartic acid 1122 with asparagine.
Molecular consequence: missense variant. On other transcripts: synonymous variant (5).
Genome position (GRCh38, 1-based): chr16:23,603,656, C>T on the plus strand (G>A on the coding strand, the complement: PALB2 is on the minus strand). VCF-style: chr16-23603656-C-T. GRCh37 (hg19) VCF-style: chr16-23614977-C-T.
Other names: c.3304G>A, p.Asp1102Asn (NM_001407296.1); c.3292G>A, p.Asp1098Asn (NM_001407297.1); c.3202G>A, p.Asp1068Asn (NM_001407298.1); c.3127G>A, p.Asp1043Asn (NM_001407299.1); c.3085G>A, p.Asp1029Asn (NM_001407300.1); c.3215G>A, p.Ter1072= (NM_001407301.1); c.3053G>A, p.Ter1018= (NM_001407302.1); c.2479G>A, p.Asp827Asn (NM_001407304.1, NM_001407305.1, NM_001407306.1); and 6 more; short protein forms D1029N, D1043N, D1068N, D1098N, D1102N, D1122N, D300N, D526N.
Identifiers: ClinVar variation 1719430 (VCV001719430.6), dbSNP rs540276838, ClinGen allele CA7963351.

ClinVar aggregate classification (germline): Uncertain significance. Review status: criteria provided, multiple submitters, no conflicts (2 of 4 stars). 2 submissions from 2 submitters: Uncertain significance (2). Last evaluated 2026-07-02.

Conditions:
Hereditary cancer-predisposing syndrome. Also called: Tumor predisposition; Hereditary neoplastic syndrome; Neoplastic Syndromes, Hereditary; Hereditary Cancer Syndrome. Identifiers: Orphanet 140162, MedGen C0027672, MeSH D009386, MONDO:0015356.
Familial cancer of breast. Also called: BREAST CANCER, FAMILIAL; hereditary breast carcinoma; Hereditary breast cancer. Identifiers: Orphanet 227535, MedGen C0346153, MONDO:0016419, OMIM 114480. Disease mechanism: loss of function.

Allele frequency attached by ClinVar (database versions not stated): gnomAD 0.00001; 1000 Genomes Project 0.00020; ExAC 0.00001; 1000 Genomes Project 30x 0.00016.
gnomAD v4.1: 1 of 1,613,540 alleles (0.000062%); highest among the groups gnomAD compares: Admixed American, 0.0017%; no homozygotes.

Submissions (2):

Ambry Genetics
Classification: Uncertain significance for Hereditary cancer-predisposing syndrome. Last evaluated: 2026-07-02. Review status: criteria provided, single submitter. Criteria: Ambry Variant Classification Scheme 2023. Collection method: clinical testing. Allele origin: germline.
Comment: The p.D1122N variant (also known as c.3364G>A), located in coding exon 13 of the PALB2 gene, results from a G to A substitution at nucleotide position 3364. The aspartic acid at codon 1122 is replaced by asparagine, an amino acid with highly similar properties. This amino acid position is conserved. In addition, this alteration is predicted to be tolerated by in silico analysis. Based on the available evidence, the clinical significance of this variant remains unclear.

Labcorp Genetics (formerly Invitae), Labcorp
Classification: Uncertain significance for Familial cancer of breast. Last evaluated: 2022-10-21. Review status: criteria provided, single submitter. Criteria: Invitae Variant Classification Sherloc (09022015). Collection method: clinical testing. Allele origin: germline.
Comment: This sequence change replaces aspartic acid, which is acidic and polar, with asparagine, which is neutral and polar, at codon 1122 of the PALB2 protein (p.Asp1122Asn). In summary, the available evidence is currently insufficient to determine the role of this variant in disease. Therefore, it has been classified as a Variant of Uncertain Significance. Algorithms developed to predict the effect of missense changes on protein structure and function are either unavailable or do not agree on the potential impact of this missense change (SIFT: "Tolerated"; PolyPhen-2: "Probably Damaging"; Align-GVGD: "Class C0"). This variant has not been reported in the literature in individuals affected with PALB2-related conditions. This variant is present in population databases (rs540276838, gnomAD 0.003%).